The following is an entry in ClinVar:

ClinVar aggregate classification (germline): Uncertain significance. Review status: criteria provided, multiple submitters, no conflicts (2 of 4 stars). 2 submissions from 2 submitters: Uncertain significance (2). Last evaluated 2023-11-06.

Conditions:
Inborn genetic diseases. Identifiers: MedGen C0950123, MeSH D030342.

Allele frequency attached by ClinVar (database versions not stated): gnomAD exomes 0.00001 and 0.00006; ExAC 0.00002; gnomAD 0.00002 and 0.00003; TOPMed 0.00006; 1000 Genomes Project 0.00020; 1000 Genomes Project 30x 0.00031.
gnomAD v4.1: 22 of 1,608,926 alleles (0.0014%); highest among the groups gnomAD compares: Admixed American, 0.023%; no homozygotes.

Submissions (2):

Ambry Genetics
Classification: Uncertain significance for Inborn genetic diseases. Last evaluated: 2023-11-06. Review status: criteria provided, single submitter. Criteria: Ambry Variant Classification Scheme 2023. Collection method: clinical testing. Allele origin: germline.

Labcorp Genetics (formerly Invitae), Labcorp
Classification: Uncertain significance. Last evaluated: 2022-08-25. Review status: criteria provided, single submitter. Criteria: Invitae Variant Classification Sherloc (09022015). Collection method: clinical testing. Allele origin: germline.
Comment: This sequence change replaces glutamic acid, which is acidic and polar, with aspartic acid, which is acidic and polar, at codon 437 of the ADSSL1 protein (p.Glu437Asp). This variant is present in population databases (rs563641631, gnomAD 0.03%). This variant has not been reported in the literature in individuals affected with ADSSL1-related conditions. ClinVar contains an entry for this variant (Variation ID: 1682018). Algorithms developed to predict the effect of missense changes on protein structure and function are either unavailable or do not agree on the potential impact of this missense change (SIFT: "Not Available"; PolyPhen-2: "Benign"; Align-GVGD: "Not Available"). In summary, the available evidence is currently insufficient to determine the role of this variant in disease. Therefore, it has been classified as a Variant of Uncertain Significance.

NM_152328.5(ADSS1):c.1182G>T (p.Glu394Asp)

Gene: ADSS1 (adenylosuccinate synthase 1; plus strand). Cytogenetic location: 14q32.33.
Variant type: single nucleotide variant.
Coding change: c.1182G>T on transcript NM_152328.5 (MANE Select); coding-DNA position 1182, G replaced by T.
Protein change: p.Glu394Asp; replaces glutamic acid 394 with aspartic acid.
Molecular consequence: missense variant.
Genome position (GRCh38, 1-based): chr14:104,746,246, G>T. VCF-style: chr14-104746246-G-T. GRCh37 (hg19) VCF-style: chr14-105212583-G-T.
Other names: c.567G>T, p.Glu189Asp (NM_001320424.1); c.1311G>T, p.Glu437Asp (NM_199165.2); c.1311G>T (NM_199165.1); short protein forms E189D, E394D, E437D.
Identifiers: ClinVar variation 1682018 (VCV001682018.4), dbSNP rs563641631, ClinGen allele CA7374062.